The following is an entry in ClinVar:

ClinVar aggregate classification (germline): Uncertain significance. Review status: criteria provided, multiple submitters, no conflicts (2 of 4 stars). 2 submissions from 2 submitters: Uncertain significance (2). Last evaluated 2024-09-26.

Conditions:
Inborn genetic diseases. Identifiers: MedGen C0950123, MeSH D030342.
Imerslund-Grasbeck syndrome. Also called: PERNICIOUS ANEMIA, JUVENILE, DUE TO SELECTIVE INTESTINAL MALABSORPTION OF VITAMIN B12, WITH PROTEINURIA; Imerslund-Gräsbeck syndrome; Megaloblastic anemia due to inborn errors of metabolism; ENTEROCYTE COBALAMIN MALABSORPTION; ENTEROCYTE INTRINSIC FACTOR RECEPTOR, DEFECT OF. Identifiers: Orphanet 35858, MedGen C4551825, MONDO:0009853.

gnomAD v4.1: 11 of 1,613,530 alleles (0.00068%); highest among the groups gnomAD compares: African/African-American, 0.0067%; no homozygotes.

Submissions (2):

Ambry Genetics
Classification: Uncertain significance for Inborn genetic diseases. Last evaluated: 2024-09-26. Review status: criteria provided, single submitter. Criteria: Ambry Variant Classification Scheme 2023. Collection method: clinical testing. Allele origin: germline.

Labcorp Genetics (formerly Invitae), Labcorp
Classification: Uncertain significance for Imerslund-Grasbeck syndrome. Last evaluated: 2024-05-29. Review status: criteria provided, single submitter. Criteria: Invitae Variant Classification Sherloc (09022015). Collection method: clinical testing. Allele origin: germline.
Comment: This sequence change replaces valine, which is neutral and non-polar, with methionine, which is neutral and non-polar, at codon 2395 of the CUBN protein (p.Val2395Met). This variant is present in population databases (rs138534919, gnomAD 0.01%). This variant has not been reported in the literature in individuals affected with CUBN-related conditions. Advanced modeling of protein sequence and biophysical properties (such as structural, functional, and spatial information, amino acid conservation, physicochemical variation, residue mobility, and thermodynamic stability) has been performed at Invitae for this missense variant, however the output from this modeling did not meet the statistical confidence thresholds required to predict the impact of this variant on CUBN protein function. In summary, the available evidence is currently insufficient to determine the role of this variant in disease. Therefore, it has been classified as a Variant of Uncertain Significance.

NM_001081.4(CUBN):c.7183G>A (p.Val2395Met)

Gene: CUBN (cubilin; minus strand). Cytogenetic location: 10p13.
Variant type: single nucleotide variant.
Coding change: c.7183G>A on transcript NM_001081.4 (MANE Select); coding-DNA position 7183, G replaced by A.
Protein change: p.Val2395Met; replaces valine 2395 with methionine.
Molecular consequence: missense variant.
Genome position (GRCh38, 1-based): chr10:16,915,848, C>T on the plus strand (G>A on the coding strand, the complement: CUBN is on the minus strand). VCF-style: chr10-16915848-C-T. GRCh37 (hg19) VCF-style: chr10-16957847-C-T.
Other names: short protein forms V2395M.
Identifiers: ClinVar variation 3498587 (VCV003498587.3).